The following is an entry in ClinVar:

NM_000069.3(CACNA1S):c.3407G>A (p.Gly1136Asp)

Gene: CACNA1S (calcium voltage-gated channel subunit alpha1 S; minus strand). Cytogenetic location: 1q32.1.
Variant type: single nucleotide variant.
Coding change: c.3407G>A on transcript NM_000069.3 (MANE Select); coding-DNA position 3407, G replaced by A.
Protein change: p.Gly1136Asp; replaces glycine 1136 with aspartic acid.
Molecular consequence: missense variant.
Genome position (GRCh38, 1-based): chr1:201,060,665, C>T on the plus strand (G>A on the coding strand, the complement: CACNA1S is on the minus strand). VCF-style: chr1-201060665-C-T. GRCh37 (hg19) VCF-style: chr1-201029793-C-T.
Other names: short protein forms G1136D.
Identifiers: ClinVar variation 1016727 (VCV001016727.9), dbSNP rs375919164, ClinGen allele CA079657.

ClinVar aggregate classification (germline): Uncertain significance. Review status: criteria provided, multiple submitters, no conflicts (2 of 4 stars). 6 submissions from 3 submitters: Uncertain significance (6). Last evaluated 2023-04-11.

Conditions:
Congenital myopathy 18. Also called: Myopathy, congenital, due to dihydropyridine receptor defect; DIHYDROPYRIDINE RECEPTOR CONGENITAL MYOPATHY; DHPR CONGENITAL MYOPATHY. Identifiers: MedGen C5830283, MONDO:0859514, OMIM 620246.
Malignant hyperthermia, susceptibility to, 5 (MHS5). Also called: CACNA1S-Related Malignant Hyperthermia Susceptibility. Identifiers: Orphanet 423, MedGen C1866077, MONDO:0011163, OMIM 601887.
Hypokalemic periodic paralysis, type 1. Also called: HypoPP; Hypokalemic Periodic Paralysis Type 1 (AD). Identifiers: Orphanet 681, MedGen C3714580, MONDO:0042979, OMIM 170400.
Thyrotoxic periodic paralysis, susceptibility to, 1 (TTPP1). Identifiers: Orphanet 79102, MedGen C2749982, MONDO:0008570, OMIM 188580.

Allele frequency attached by ClinVar (database versions not stated): gnomAD exomes below 0.00001 and 0.00001; ExAC 0.00001; ESP Exome Variant Server 0.00008.
gnomAD v4.1: 6 of 1,614,162 alleles (0.00037%); highest among the groups gnomAD compares: Non-Finnish European, 0.00051%; no homozygotes.

Submissions (6):

Genome-Nilou Lab
Classification: Uncertain significance for Malignant hyperthermia, susceptibility to, 5. Last evaluated: 2023-04-11. Review status: criteria provided, single submitter. Criteria: ACMG Guidelines, 2015. Collection method: clinical testing. Allele origin: germline. Affected: no.

Genome-Nilou Lab
Classification: Uncertain significance for Thyrotoxic periodic paralysis, susceptibility to, 1. Last evaluated: 2023-04-11. Review status: criteria provided, single submitter. Criteria: ACMG Guidelines, 2015. Collection method: clinical testing. Allele origin: germline. Affected: no.

Genome-Nilou Lab
Classification: Uncertain significance for Congenital myopathy 18. Last evaluated: 2023-04-11. Review status: criteria provided, single submitter. Criteria: ACMG Guidelines, 2015. Collection method: clinical testing. Allele origin: germline. Affected: no.

Genome-Nilou Lab
Classification: Uncertain significance for Hypokalemic periodic paralysis, type 1. Last evaluated: 2023-04-11. Review status: criteria provided, single submitter. Criteria: ACMG Guidelines, 2015. Collection method: clinical testing. Allele origin: germline. Affected: no.

GeneDx
Classification: Uncertain significance. Last evaluated: 2022-05-17. Review status: criteria provided, single submitter. Criteria: GeneDx Variant Classification Process June 2021. Collection method: clinical testing. Allele origin: germline. Affected: yes.
Comment: Not observed at significant frequency in large population cohorts (gnomAD); In silico analysis supports that this missense variant has a deleterious effect on protein structure/function; Has not been previously published as pathogenic or benign to our knowledge

Labcorp Genetics (formerly Invitae), Labcorp
Classification: Uncertain significance for Hypokalemic periodic paralysis, type 1; Malignant hyperthermia, susceptibility to, 5. Last evaluated: 2020-11-02. Review status: criteria provided, single submitter. Criteria: Invitae Variant Classification Sherloc (09022015). Collection method: clinical testing. Allele origin: germline.
Comment: In summary, the available evidence is currently insufficient to determine the role of this variant in disease. Therefore, it has been classified as a Variant of Uncertain Significance. Advanced modeling of protein sequence and biophysical properties (such as structural, functional, and spatial information, amino acid conservation, physicochemical variation, residue mobility, and thermodynamic stability) performed at Invitae indicates that this missense variant is not expected to disrupt CACNA1S protein function. This variant has not been reported in the literature in individuals with CACNA1S-related conditions. This variant is present in population databases (rs375919164, ExAC 0.001%). This sequence change replaces glycine with aspartic acid at codon 1136 of the CACNA1S protein (p.Gly1136Asp). The glycine residue is highly conserved and there is a moderate physicochemical difference between glycine and aspartic acid.